The following is an entry in ClinVar:

ClinVar aggregate classification (germline): Uncertain significance (1 of 4 stars; one submission).

Submission:

Labcorp Genetics (formerly Invitae), Labcorp
Classification: Uncertain significance. Last evaluated: 2022-09-19. Review status: criteria provided, single submitter. Criteria: Invitae Variant Classification Sherloc (09022015). Collection method: clinical testing. Allele origin: germline.
Comment: In summary, the available evidence is currently insufficient to determine the role of this variant in disease. Therefore, it has been classified as a Variant of Uncertain Significance. ClinVar contains an entry for this variant (Variation ID: 1478413). This variant has not been reported in the literature in individuals affected with MICAL1-related conditions. This variant is not present in population databases (gnomAD no frequency). This sequence change creates a premature translational stop signal (p.Ser48Alafs*137) in the MICAL1 gene. It is expected to result in an absent or disrupted protein product. However, the current clinical and genetic evidence is not sufficient to establish whether loss-of-function variants in MICAL1 cause disease.

NM_022765.4(MICAL1):c.85del (p.Ser29fs)

Gene: MICAL1 (microtubule associated monooxygenase, calponin and LIM domain containing 1; minus strand). Cytogenetic location: 6q21.
Variant type: Deletion.
Coding change: c.85del on transcript NM_022765.4 (MANE Select); coding-DNA position 85, one base deleted (A; older notation c.85delA).
Protein change: p.Ser29fs; shifts the reading frame from serine 29.
Molecular consequence: frameshift variant.
Genome position (GRCh38, 1-based): chr6:109,454,112, T deleted on the plus strand (A on the coding strand, the reverse complement: MICAL1 is on the minus strand). VCF-style (leftmost placement, unchanged base first): chr6-109454111-CT-C. GRCh37 (hg19) VCF-style: chr6-109775314-CT-C.
Other names: c.85del, p.Ser29fs (NM_001159291.2); c.142del, p.Ser48fs (NM_001286613.2); short protein forms S29fs, S48fs.
Identifiers: ClinVar variation 1478413 (VCV001478413.6), dbSNP rs2115340011, ClinGen allele CA2573140386.
Genomic context (GRCh38, chr6:109,454,111, plus strand): 5'-TGGTACTGGGGCAGCCCCCCACCGGGTTCCAGCCCCAGGGCCCCACACAGCTCCTGGAAG[CT>C]GCTCAGCACGTCCTGGCACAGCTGGGCCTGCAGGAAGCTCTCAAAGTGGGCATGCGCTGG-3'